The following is an entry in ClinVar:

ClinVar aggregate classification (germline): Likely benign. Review status: criteria provided, multiple submitters, no conflicts (2 of 4 stars). 4 submissions from 4 submitters: Likely benign (4). Last evaluated 2026-01-01.

Allele frequency attached by ClinVar (database versions not stated): ESP Exome Variant Server 0.00008; ExAC 0.00012.
gnomAD v4.1: 339 of 1,612,930 alleles (0.021%); highest among the groups gnomAD compares: Non-Finnish European, 0.027%; no homozygotes.

Submissions (4):

CeGaT Center for Human Genetics Tuebingen
Classification: Likely benign. Last evaluated: 2026-01-01. Review status: criteria provided, single submitter. Criteria: CeGaT Center For Human Genetics Tuebingen Variant Classification Criteria Version 2. Collection method: clinical testing. Allele origin: germline. Affected: yes. Observed: 1 variant allele.
Comment: GBA1: BP4, BP7

Women's Health and Genetics/Laboratory Corporation of America, LabCorp
Classification: Likely benign. Last evaluated: 2024-12-17. Review status: criteria provided, single submitter. Criteria: LabCorp Variant Classification Summary - May 2015. Collection method: clinical testing. Allele origin: germline.
Comment: Variant summary: GBA1 c.1494C>T alters a conserved nucleotide resulting in a synonymous change. Consensus agreement among computation tools predict no significant impact on normal splicing. However, these predictions have yet to be confirmed by functional studies. The variant allele was found at a frequency of 0.00021 in 1461546 control chromosomes. This frequency is not significantly higher than estimated for a pathogenic variant in GBA1 causing Gaucher Disease (0.00021 vs 0.005), allowing no conclusion about variant significance. c.1494C>T has been reported in the literature in individuals affected with Parkinson disease and in a control (e.g., Gabbert_2023, Kumar_2013, denHeijer_2020). To our knowledge, no experimental evidence demonstrating an impact on protein function has been reported. The following publications have been ascertained in the context of this evaluation (PMID: 37312046, 22812582, 32618053). ClinVar contains an entry for this variant (Variation ID: 3098819). Based on the evidence outlined above, the variant was classified as likely benign.

Blueprint Genetics
Classification: Likely benign. Last evaluated: 2024-09-13. Review status: criteria provided, single submitter. Criteria: ACMG Guidelines, 2015. Collection method: clinical testing. Allele origin: germline.

Ambry Genetics
Classification: Likely benign. Last evaluated: 2023-11-17. Review status: criteria provided, single submitter. Criteria: Ambry Variant Classification Scheme 2023. Collection method: clinical testing. Allele origin: germline.

Literature cited by the submitters: PubMed 22812582 (cited by Women's Health and Genetics/Laboratory Corporation of America, LabCorp); PubMed 32618053 (cited by Women's Health and Genetics/Laboratory Corporation of America, LabCorp); PubMed 37312046 (cited by Women's Health and Genetics/Laboratory Corporation of America, LabCorp).

NM_000157.4(GBA1):c.1494C>T (p.Val498=)

Genes: GBA1 (glucosylceramidase beta 1; minus strand), LOC106627981 (GBA recombination region; plus strand). Cytogenetic location: 1q22.
Variant type: single nucleotide variant.
Coding change: c.1494C>T on transcript NM_000157.4 (MANE Select); coding-DNA position 1494, C replaced by T.
Protein change: p.Val498=; no amino-acid change (valine 498 retained).
Molecular consequence: synonymous variant.
Genome position (GRCh38, 1-based): chr1:155,235,206, G>A on the plus strand (C>T on the coding strand, the complement: GBA1 is on the minus strand). VCF-style: chr1-155235206-G-A. GRCh37 (hg19) VCF-style: chr1-155204997-G-A.
Other names: c.1494C>T, p.Val498= (NM_001005741.3, NM_001005742.3); c.1233C>T, p.Val411= (NM_001171811.2); c.1347C>T, p.Val449= (NM_001171812.2).
Identifiers: ClinVar variation 3098819 (VCV003098819.7), dbSNP rs371779859, ClinGen allele CA1141514.